The following is an entry in ClinVar:

ClinVar aggregate classification (germline): Benign. Review status: criteria provided, multiple submitters, no conflicts (2 of 4 stars). 3 submissions from 3 submitters: Benign (3). Last evaluated 2018-07-27.

Conditions:
Megalencephalic leukoencephalopathy with subcortical cysts. Also called: VAN DER KNAAP DISEASE. Identifiers: Orphanet 2478, MedGen C1858854, MONDO:0011391.

Allele frequency attached by ClinVar (database versions not stated): 1000 Genomes Project 30x 0.18770; 1000 Genomes Project 0.18850; TOPMed 0.24626.
gnomAD v4.1: 419,795 of 1,400,080 alleles (30%); highest among the groups gnomAD compares: Non-Finnish European, 32%; 66,005 homozygotes.

Submissions (3):

GeneDx
Classification: Benign. Last evaluated: 2018-07-27. Review status: criteria provided, single submitter. Criteria: GeneDx Variant Classification Process June 2021. Collection method: clinical testing. Allele origin: germline. Affected: yes.

Illumina Laboratory Services, Illumina
Classification: Benign for Megalencephalic leukoencephalopathy with subcortical cysts. Last evaluated: 2018-01-12. Review status: criteria provided, single submitter. Criteria: ICSL Variant Classification Criteria 13 December 2019. Collection method: clinical testing. Allele origin: germline.
Comment: This variant was observed in the ICSL laboratory as part of a predisposition screen in an ostensibly healthy population. It had not been previously curated by ICSL or reported in the Human Gene Mutation Database (HGMD: prior to June 1st, 2018), and was therefore a candidate for classification through an automated scoring system. Utilizing variant allele frequency, disease prevalence and penetrance estimates, and inheritance mode, an automated score was calculated to assess if this variant is too frequent to cause the disease. Based on the score and internal cut-off values, a variant classified as benign is not then subjected to further curation. The score for this variant resulted in a classification of benign for this disease.

Breakthrough Genomics
Classification: Benign. Review status: criteria provided, single submitter. Criteria: ACMG Guidelines, 2015. Collection method: not provided. Allele origin: germline. Inheritance: Autosomal recessive inheritance. Affected: yes.

NM_152722.5(HEPACAM):c.*112G>T

Gene: HEPACAM (hepatic and glial cell adhesion molecule; minus strand). Cytogenetic location: 11q24.2.
Variant type: single nucleotide variant.
Coding change: c.*112G>T on transcript NM_152722.5 (MANE Select); 112 bases downstream of the stop codon, G replaced by T.
Molecular consequence: 3 prime UTR variant.
Genome position (GRCh38, 1-based): chr11:124,921,026, C>A on the plus strand (G>T on the coding strand, the complement: HEPACAM is on the minus strand). VCF-style: chr11-124921026-C-A. GRCh37 (hg19) VCF-style: chr11-124790922-C-A.
Identifiers: ClinVar variation 303319 (VCV000303319.7), dbSNP rs10893303, ClinGen allele CA10638209.